The following is an entry in ClinVar:

ClinVar aggregate classification (germline): Pathogenic (1 of 4 stars; one submission).

Submission:

Labcorp Genetics (formerly Invitae), Labcorp
Classification: Pathogenic. Last evaluated: 2022-06-19. Review status: criteria provided, single submitter. Criteria: Invitae Variant Classification Sherloc (09022015). Collection method: clinical testing. Allele origin: germline.
Comment: For these reasons, this variant has been classified as Pathogenic. This variant has not been reported in the literature in individuals affected with LAMA3-related conditions. This variant is a gross deletion of the genomic region encompassing exon(s) 26-27 of the LAMA3 gene. This deletion is out-of-frame, and is expected to create a premature termination codon and result in an absent or disrupted protein product. Loss-of-function variants in LAMA3 are known to be pathogenic (PMID: 10366601, 11810295, 12915477, 16473856, 17362460, 22434185, 23869449, 27827380, 28087116).

Literature cited by the submitters: PubMed 10366601; PubMed 11810295; PubMed 12915477; PubMed 16473856; PubMed 17362460; PubMed 22434185; PubMed 23869449; PubMed 27827380; PubMed 28087116.

NC_000018.9:g.(?_21508077)_(21508739_?)del

Gene: LAMA3 (laminin subunit alpha 3; plus strand). Cytogenetic location: 18q11.2.
Variant type: Deletion.
Identifiers: ClinVar variation 2422608 (VCV002422608.4).